The following is an entry in ClinVar:

NM_000136.3(FANCC):c.1210G>A (p.Ala404Thr)

Genes: FANCC (FA complementation group C; minus strand), AOPEP (aminopeptidase O (putative); plus strand). Cytogenetic location: 9q22.32.
Variant type: single nucleotide variant.
Coding change: c.1210G>A on transcript NM_000136.3 (MANE Select); coding-DNA position 1210, G replaced by A.
Protein change: p.Ala404Thr; replaces alanine 404 with threonine.
Molecular consequence: missense variant.
Genome position (GRCh38, 1-based): chr9:95,111,582, C>T on the plus strand (G>A on the coding strand, the complement: FANCC is on the minus strand). VCF-style: chr9-95111582-C-T. GRCh37 (hg19) VCF-style: chr9-97873864-C-T.
Other names: c.1210G>A, p.Ala404Thr (NM_001243743.2, NM_001243744.2); short protein forms A404T.
Identifiers: ClinVar variation 3848341 (VCV003848341.1).

ClinVar aggregate classification (germline): Uncertain significance (1 of 4 stars; one submission).

Conditions:
Hereditary cancer-predisposing syndrome. Also called: Hereditary neoplastic syndrome; Neoplastic Syndromes, Hereditary; Tumor predisposition; Hereditary Cancer Syndrome. Identifiers: Orphanet 140162, MedGen C0027672, MeSH D009386, MONDO:0015356.

gnomAD v4.1: 1 of 1,614,202 alleles (0.000062%); highest among the groups gnomAD compares: Non-Finnish European, 0.000085%; no homozygotes.

Submission:

Ambry Genetics
Classification: Uncertain significance for Hereditary cancer-predisposing syndrome. Last evaluated: 2025-02-05. Review status: criteria provided, single submitter. Criteria: Ambry Variant Classification Scheme 2023. Collection method: clinical testing. Allele origin: germline.
Comment: The p.A404T variant (also known as c.1210G>A), located in coding exon 12 of the FANCC gene, results from a G to A substitution at nucleotide position 1210. The alanine at codon 404 is replaced by threonine, an amino acid with similar properties. This amino acid position is conserved. In addition, this alteration is predicted to be tolerated by in silico analysis. Based on the available evidence, the clinical significance of this variant remains unclear.